The following is an entry in ClinVar:

ClinVar aggregate classification (germline): Likely benign. Review status: criteria provided, multiple submitters, no conflicts (2 of 4 stars). 3 submissions from 3 submitters: Likely benign (3). Last evaluated 2026-01-27.

Conditions:
Ehlers-Danlos syndrome, musculocontractural type 2 (EDSMC2). Identifiers: Orphanet 2953, MedGen C3809845, MONDO:0014236, OMIM 615539.

Allele frequency attached by ClinVar (database versions not stated): ESP Exome Variant Server 0.00008; TOPMed 0.00013; gnomAD 0.00015; gnomAD exomes 0.00018; ExAC 0.00019.
gnomAD v4.1: 206 of 1,612,310 alleles (0.013%); highest among the groups gnomAD compares: Middle Eastern, 0.099%; 1 homozygote.

Submissions (3):

Labcorp Genetics (formerly Invitae), Labcorp
Classification: Likely benign for Ehlers-Danlos syndrome, musculocontractural type 2. Last evaluated: 2026-01-27. Review status: criteria provided, single submitter. Criteria: Invitae Variant Classification Sherloc (09022015). Collection method: clinical testing. Allele origin: germline.

Women's Health and Genetics/Laboratory Corporation of America, LabCorp
Classification: Likely benign. Last evaluated: 2026-01-19. Review status: criteria provided, single submitter. Criteria: LabCorp Variant Classification Summary - May 2015. Collection method: clinical testing. Allele origin: germline.

GeneDx
Classification: Likely benign. Last evaluated: 2017-11-09. Review status: criteria provided, single submitter. Criteria: GeneDx Variant Classification (06012015). Collection method: clinical testing. Allele origin: germline. Affected: yes.
Comment: This variant is considered likely benign or benign based on one or more of the following criteria: it is a conservative change, it occurs at a poorly conserved position in the protein, it is predicted to be benign by multiple in silico algorithms, and/or has population frequency not consistent with disease.

NM_013352.4(DSE):c.910+20G>A

Gene: DSE (dermatan sulfate epimerase; plus strand). Cytogenetic location: 6q22.1.
Variant type: single nucleotide variant.
Coding change: c.910+20G>A on transcript NM_013352.4 (MANE Select); 20 bases into the intron after coding-DNA position 910, G replaced by A.
Molecular consequence: intron variant.
Genome position (GRCh38, 1-based): chr6:116,431,213, G>A. VCF-style: chr6-116431213-G-A. GRCh37 (hg19) VCF-style: chr6-116752376-G-A.
Other names: c.910+20G>A (NM_001322937.2, NM_001322938.2, NM_001080976.3 and 1 more transcripts); c.349+20G>A (NM_001322940.2, NM_001322941.2); c.967+20G>A (NM_001322939.2); c.671-4374G>A (NM_001322943.2).
Identifiers: ClinVar variation 384815 (VCV000384815.9), dbSNP rs376761852, ClinGen allele CA3969591.